The following is an entry in ClinVar:

ClinVar aggregate classification (germline): Likely benign (3 of 4 stars; one submission).

Conditions:
Breast-ovarian cancer, familial, susceptibility to, 1 (BROVCA1). Also called: BRCA1 Hereditary Breast and Ovarian Cancer; OVARIAN CANCER, SUSCEPTIBILITY TO. Identifiers: Orphanet 145, MedGen C2676676, MONDO:0011450, OMIM 604370. Disease mechanism: loss of function.

Submission:

Evidence-based Network for the Interpretation of Germline Mutant Alleles (ENIGMA)
Classification: Likely benign for Breast-ovarian cancer, familial, susceptibility to, 1. Last evaluated: 2017-06-29. Review status: reviewed by expert panel. Criteria: ENIGMA BRCA1/2 Classification Criteria (2017-06-29). Collection method: curation. Allele origin: germline.
Comment: Synonymous substitution variant, with low bioinformatic likelihood to result in a splicing aberration (Splicing prior probability 0.02).

NM_007294.4(BRCA1):c.2094A>T (p.Pro698=)

Gene: BRCA1 (BRCA1 DNA repair associated; minus strand). Cytogenetic location: 17q21.31.
Variant type: single nucleotide variant.
Coding change: c.2094A>T on transcript NM_007294.4 (MANE Select); coding-DNA position 2094, A replaced by T.
Protein change: p.Pro698=; no amino-acid change (proline 698 retained).
Molecular consequence: synonymous variant. On other transcripts: intron variant (137).
Genome position (GRCh38, 1-based): chr17:43,093,437, T>A on the plus strand (A>T on the coding strand, the complement: BRCA1 is on the minus strand). VCF-style: chr17-43093437-T-A. GRCh37 (hg19) VCF-style: chr17-41245454-T-A.
Other names: c.706+1307A>T (NM_001408413.1, NM_001408416.1); c.586+1307A>T (NM_001408476.1, NM_001408474.1); c.709+1307A>T (NM_001408409.1, NM_001408414.1, NM_001408411.1 and 2 more transcripts); c.574+1307A>T (NM_001408493.1, NM_001408490.1, NM_001408491.1); c.454+1307A>T (NM_001408502.1); c.577+1307A>T (NM_001408489.1, NM_001408479.1, NM_001408482.1 and 9 more transcripts); c.661+1307A>T (NM_001408445.1, NM_001408432.1, NM_001408450.1 and 6 more transcripts); c.668-2405A>T (NM_001408431.1, NM_001408424.1, NM_001408421.1); and 41 more.
Identifiers: ClinVar variation 427291 (VCV000427291.4), dbSNP rs1131692098, ClinGen allele CA500232937.